The following is an entry in ClinVar:

ClinVar aggregate classification (germline): Uncertain significance (1 of 4 stars; one submission).

Conditions:
Joubert syndrome. Also called: CEREBELLOPARENCHYMAL DISORDER IV; JOUBERT-BOLTSHAUSER SYNDROME; Familial aplasia of the vermis. Identifiers: Orphanet 475, MedGen C5979921, MONDO:0018772.
Meckel-Gruber syndrome. Also called: DYSENCEPHALIA SPLANCHNOCYSTICA; GRUBER SYNDROME; Dysencephalia splachnocystica. Identifiers: Orphanet 564, MedGen C0265215, MONDO:0018921.

Allele frequency attached by ClinVar (database versions not stated): TOPMed 0.00010; gnomAD 0.00013 and 0.00014; ExAC 0.00001; gnomAD exomes 0.00003; ESP Exome Variant Server 0.00008.

Submission:

Labcorp Genetics (formerly Invitae), Labcorp
Classification: Uncertain significance for Joubert syndrome; Meckel-Gruber syndrome. Last evaluated: 2025-03-17. Review status: criteria provided, single submitter. Criteria: Invitae Variant Classification Sherloc (09022015). Collection method: clinical testing. Allele origin: germline.
Comment: This sequence change replaces valine, which is neutral and non-polar, with isoleucine, which is neutral and non-polar, at codon 354 of the TCTN1 protein (p.Val354Ile). This variant is present in population databases (rs374701683, gnomAD 0.02%). This variant has not been reported in the literature in individuals affected with TCTN1-related conditions. ClinVar contains an entry for this variant (Variation ID: 1428275). Invitae Evidence Modeling of protein sequence and biophysical properties (such as structural, functional, and spatial information, amino acid conservation, physicochemical variation, residue mobility, and thermodynamic stability) indicates that this missense variant is not expected to disrupt TCTN1 protein function with a negative predictive value of 80%. In summary, the available evidence is currently insufficient to determine the role of this variant in disease. Therefore, it has been classified as a Variant of Uncertain Significance.

NM_001082538.3(TCTN1):c.1060G>A (p.Val354Ile)

Gene: TCTN1 (tectonic family member 1; plus strand). Cytogenetic location: 12q24.11.
Variant type: single nucleotide variant.
Coding change: c.1060G>A on transcript NM_001082538.3 (MANE Select); coding-DNA position 1060, G replaced by A.
Protein change: p.Val354Ile; replaces valine 354 with isoleucine.
Molecular consequence: missense variant. On other transcripts: non-coding transcript variant (1).
Genome position (GRCh38, 1-based): chr12:110,641,105, G>A. VCF-style: chr12-110641105-G-A. GRCh37 (hg19) VCF-style: chr12-111078910-G-A.
Other names: c.1060G>A, p.Val354Ile (NM_001082537.3, NM_001319680.2); c.892G>A, p.Val298Ile (NM_001173975.3); c.880G>A, p.Val294Ile (NM_001173976.2); c.526G>A, p.Val176Ile (NM_001319681.2); c.1018G>A, p.Val340Ile (NM_024549.6); short protein forms V298I, V340I, V176I, V294I, V354I.
Identifiers: ClinVar variation 1428275 (VCV001428275.6), dbSNP rs374701683, ClinGen allele CA6786802.